The following is an entry in ClinVar:

ClinVar aggregate classification (germline): Uncertain significance (1 of 4 stars; one submission).

Allele frequency attached by ClinVar (database versions not stated): gnomAD 0.00003; TOPMed 0.00003; 1000 Genomes Project 30x 0.00016.
gnomAD v4.1: 30 of 1,612,938 alleles (0.0019%); highest among the groups gnomAD compares: Non-Finnish European, 0.0017%; no homozygotes.

Submission:

Labcorp Genetics (formerly Invitae), Labcorp
Classification: Uncertain significance. Last evaluated: 2023-08-24. Review status: criteria provided, single submitter. Criteria: Invitae Variant Classification Sherloc (09022015). Collection method: clinical testing. Allele origin: germline.
Comment: This variant is present in population databases (rs761160186, gnomAD 0.004%). This sequence change replaces alanine, which is neutral and non-polar, with valine, which is neutral and non-polar, at codon 246 of the LONP1 protein (p.Ala246Val). This variant has not been reported in the literature in individuals affected with LONP1-related conditions. In summary, the available evidence is currently insufficient to determine the role of this variant in disease. Therefore, it has been classified as a Variant of Uncertain Significance. Algorithms developed to predict the effect of missense changes on protein structure and function output the following: SIFT: "Not Available"; PolyPhen-2: "Benign"; Align-GVGD: "Not Available". The valine amino acid residue is found in multiple mammalian species, which suggests that this missense change does not adversely affect protein function.

NM_004793.4(LONP1):c.737C>T (p.Ala246Val)

Gene: LONP1 (lon peptidase 1, mitochondrial; minus strand). Cytogenetic location: 19p13.3.
Variant type: single nucleotide variant.
Coding change: c.737C>T on transcript NM_004793.4 (MANE Select); coding-DNA position 737, C replaced by T.
Protein change: p.Ala246Val; replaces alanine 246 with valine.
Molecular consequence: missense variant. On other transcripts: non-coding transcript variant (1).
Genome position (GRCh38, 1-based): chr19:5,711,904, G>A on the plus strand (C>T on the coding strand, the complement: LONP1 is on the minus strand). VCF-style: chr19-5711904-G-A. GRCh37 (hg19) VCF-style: chr19-5711915-G-A.
Other names: c.545C>T, p.Ala182Val (NM_001276479.2); c.149C>T, p.Ala50Val (NM_001276480.1); short protein forms A246V, A182V, A50V.
Identifiers: ClinVar variation 2713757 (VCV002713757.3), dbSNP rs761160186, ClinGen allele CA9114988.